The following is an entry in ClinVar:

ClinVar aggregate classification (germline): Uncertain significance. Review status: criteria provided, multiple submitters, no conflicts (2 of 4 stars). 2 submissions from 2 submitters: Uncertain significance (2). Last evaluated 2021-08-31.

Conditions:
Inborn genetic diseases. Identifiers: MedGen C0950123, MeSH D030342.
Peroxisome biogenesis disorder 7A (Zellweger). Also called: Peroxisome biogenesis disorder 7A. Identifiers: Orphanet 912, MedGen C3888385, MONDO:0013938, OMIM 614872.
Peroxisome biogenesis disorder 7B (PBD7B). Identifiers: Orphanet 44, MedGen C3553951, MONDO:0013939, OMIM 614873.

Allele frequency attached by ClinVar (database versions not stated): gnomAD 0.00001 and 0.00002; ExAC 0.00002; gnomAD exomes 0.00002 and 0.00003; TOPMed 0.00002.

Submissions (2):

Labcorp Genetics (formerly Invitae), Labcorp
Classification: Uncertain significance for Peroxisome biogenesis disorder 7A (Zellweger); Peroxisome biogenesis disorder 7B. Last evaluated: 2021-08-31. Review status: criteria provided, single submitter. Criteria: Invitae Variant Classification Sherloc (09022015). Collection method: clinical testing. Allele origin: germline.
Comment: This sequence change replaces alanine with valine at codon 202 of the PEX26 protein (p.Ala202Val). The alanine residue is highly conserved and there is a small physicochemical difference between alanine and valine. This variant is present in population databases (rs778822723, ExAC 0.01%). This variant has not been reported in the literature in individuals affected with PEX26-related conditions. Algorithms developed to predict the effect of missense changes on protein structure and function are either unavailable or do not agree on the potential impact of this missense change (SIFT: "Tolerated"; PolyPhen-2: "Possibly Damaging"; Align-GVGD: "Class C0"). Algorithms developed to predict the effect of sequence changes on RNA splicing suggest that this variant may create or strengthen a splice site. In summary, the available evidence is currently insufficient to determine the role of this variant in disease. Therefore, it has been classified as a Variant of Uncertain Significance.

Ambry Genetics
Classification: Uncertain significance for Inborn genetic diseases. Last evaluated: 2020-11-12. Review status: criteria provided, single submitter. Criteria: Ambry Variant Classification Scheme 2023. Collection method: clinical testing. Allele origin: germline.
Comment: The c.605C>T (p.A202V) alteration is located in exon 4 (coding exon 3) of the PEX26 gene. This alteration results from a C to T substitution at nucleotide position 605, causing the alanine (A) at amino acid position 202 to be replaced by a valine (V). Based on data from the Genome Aggregation Database (gnomAD) database, the PEX26 c.605C>T alteration was observed in 0.002% (5/251,058) of total alleles studied, with a frequency of 0.01% (3/30,614) in the South Asian subpopulation. This amino acid position is not well conserved in available vertebrate species. The p.A202V alteration is predicted to be tolerated by in silico analysis. Based on insufficient or conflicting evidence, the clinical significance of this alteration remains unclear.

NM_001127649.3(PEX26):c.605C>T (p.Ala202Val)

Gene: PEX26 (peroxisomal biogenesis factor 26; plus strand). Cytogenetic location: 22q11.21.
Variant type: single nucleotide variant.
Coding change: c.605C>T on transcript NM_001127649.3 (MANE Select); coding-DNA position 605, C replaced by T.
Protein change: p.Ala202Val; replaces alanine 202 with valine.
Molecular consequence: missense variant.
Genome position (GRCh38, 1-based): chr22:18,083,670, C>T. VCF-style: chr22-18083670-C-T. GRCh37 (hg19) VCF-style: chr22-18566436-C-T.
Other names: c.605C>T, p.Ala202Val (NM_001199319.2, NM_017929.6); c.605C>T (NM_017929.5); short protein forms A202V.
Identifiers: ClinVar variation 1005974 (VCV001005974.6), dbSNP rs778822723, ClinGen allele CA10093361.
Genomic context (GRCh38, chr22:18,083,670, plus strand): 5'-TGGGCTCTGCAGCCTTTGGTGAGGAGCGGCGACTGGATGTACTTCAGGCCATTCACACAG[C>T]GAGGCAGCAGCAGAAACAGGAACACTCAGGCTCTGAGGAGGCCCAGAAGCCAAACCTGGA-3'
Protein context (NP_001121121.1, residues 192-212): RLDVLQAIHT[Ala202Val]RQQQKQEHSG